The following is an entry in ClinVar:

ClinVar aggregate classification (germline): Likely pathogenic (3 of 4 stars; one submission).

Conditions:
Glanzmann thrombasthenia. Also called: BLEEDING DISORDER, PLATELET-TYPE, 2; THROMBASTHENIA OF GLANZMANN AND NAEGELI; PLATELET GLYCOPROTEIN IIb-IIIa DEFICIENCY; Glanzmann's thrombasthenia; Thrombasthenia. Identifiers: Orphanet 849, MedGen C0040015, MONDO:0100326.

Submission:

ClinGen Platelet Disorders Variant Curation Expert Panel, ClinGen
Classification: Likely pathogenic for Glanzmann thrombasthenia. Last evaluated: 2023-11-02. Review status: reviewed by expert panel. Criteria: ClinGen Platelet ACMG Specifications v2-1. Collection method: curation. Allele origin: germline. Inheritance: Autosomal recessive inheritance.
Comment: The NM_000419.5(ITGA2B):c.574+5G>C variant occurs in the donor splice region of exon 4 and is predicted to disrupt the wild-type splice donor site by SpliceAI (delta score 0.79; PP3). It is reported in the compound heterozygous state with the likely pathogenic variant, Ser160Arg (PM3) in one individual with a phenotype highly specific to Glanzmann's Thrombasthenia (PMID: 28232155; PP4). cDNA from the patient indicates that the c.574+5G>C splice variant causes the in-frame deletion of Ser160_Ser192 in exon 4, due to loss of the donor site and activation of a new splicing site (PM4; PMID: 21644217). It is absent from population databases (PM2_supporting). In summary, this variant is classified as Likely Pathogenic for autosomal recessive Glanzmann thrombasthenia. GT-specific criteria applied: PM2_supporting, PM3, PM4, PP3, PP4_moderate (PD-VCEP specifications v2.1).

Literature cited by the submitters: PubMed 28232155.

NM_000419.5(ITGA2B):c.574+5G>C

Gene: ITGA2B (integrin subunit alpha 2b; minus strand). Cytogenetic location: 17q21.31.
Variant type: single nucleotide variant.
Coding change: c.574+5G>C on transcript NM_000419.5 (MANE Select); 5 bases into the intron after coding-DNA position 574, G replaced by C.
Molecular consequence: intron variant.
Genome position (GRCh38, 1-based): chr17:44,385,546, C>G on the plus strand (G>C on the coding strand, the complement: ITGA2B is on the minus strand). VCF-style: chr17-44385546-C-G. GRCh37 (hg19) VCF-style: chr17-42462914-C-G.
Identifiers: ClinVar variation 952999 (VCV000952999.4), dbSNP rs1598383011, ClinGen allele CA913203563.